The following is an entry in ClinVar:

NM_000143.4(FH):c.280_285del (p.Lys94_Ala95del)

Gene: FH (fumarate hydratase; minus strand). Cytogenetic location: 1q43.
Variant type: Deletion.
Coding change: c.280_285del on transcript NM_000143.4 (MANE Select); coding-DNA positions 280 to 285, 6 bases deleted (AAAGCT; older notation c.280_285delAAAGCT).
Protein change: p.Lys94_Ala95del.
Genome position (GRCh38, 1-based): chr1:241,513,696-241,513,701, AGCTTT deleted on the plus strand (AAAGCT on the coding strand, the reverse complement: FH is on the minus strand); deleting any 6 consecutive bases within chr1:241,513,696-241,513,702 gives the same sequence; the c. name uses the placement nearest the transcript's 3' end. VCF-style (leftmost placement, unchanged base first): chr1-241513695-AAGCTTT-A. GRCh37 (hg19) VCF-style: chr1-241676995-AAGCTTT-A.
Identifiers: ClinVar variation 3727555 (VCV003727555.2).

ClinVar aggregate classification (germline): Uncertain significance (1 of 4 stars; one submission).

Submission:

Labcorp Genetics (formerly Invitae), Labcorp
Classification: Uncertain significance. Last evaluated: 2024-12-18. Review status: criteria provided, single submitter. Criteria: Invitae Variant Classification Sherloc (09022015). Collection method: clinical testing. Allele origin: germline.
Comment: This variant, c.280_285del, results in the deletion of 2 amino acid(s) of the FH protein (p.Lys94_Ala95del), but otherwise preserves the integrity of the reading frame. This variant is not present in population databases (gnomAD no frequency). This variant has not been reported in the literature in individuals affected with FH-related conditions. Experimental studies and prediction algorithms are not available or were not evaluated, and the functional significance of this variant is currently unknown. In summary, the available evidence is currently insufficient to determine the role of this variant in disease. Therefore, it has been classified as a Variant of Uncertain Significance.